The following continues an entry in ClinVar:

NM_000070.3(CAPN3):c.550del (p.Thr184fs)

Gene: CAPN3. ClinVar aggregate classification (germline): Pathogenic. Pathogenic (1).

Submissions 7 to 23 of 51:

Labcorp Genetics (formerly Invitae), Labcorp
Classification: Pathogenic for Autosomal recessive limb-girdle muscular dystrophy type 2A. Last evaluated: 2026-01-18. Review status: criteria provided, single submitter. Criteria: Invitae Variant Classification Sherloc (09022015). Collection method: clinical testing. Allele origin: germline. Not counted in ClinVar's aggregate classification.
Comment: This sequence change creates a premature translational stop signal (p.Thr184Argfs*36) in the CAPN3 gene. It is expected to result in an absent or disrupted protein product. Loss-of-function variants in CAPN3 are known to be pathogenic (PMID: 10330340, 15689361). This variant is present in population databases (rs762960425, gnomAD 0.05%). This premature translational stop signal has been observed in individuals with autosomal recessive limb-girdle muscular dystrophy type 2A (PMID: 7720071, 14578192, 20635405, 21204801, 21984748). ClinVar contains an entry for this variant (Variation ID: 17621). Algorithms developed to predict the effect of sequence changes on RNA splicing suggest that this variant may disrupt the consensus splice site. For these reasons, this variant has been classified as Pathogenic.

PreventionGenetics, part of Exact Sciences
Classification: Pathogenic for CAPN3-related condition. Last evaluated: 2025-11-22. Review status: criteria provided, single submitter. Criteria: ACMG Guidelines, 2015. Collection method: clinical testing. Allele origin: germline. Not counted in ClinVar's aggregate classification.
Comment: The CAPN3 c.550delA variant is predicted to result in a frameshift and premature protein termination (p.Thr184Argfs*36). This variant is one of the most common, well documented pathogenic variants to be causative for limb girdle muscular dystrophy (for example, see Richard et al. 1999. PubMed ID: 10330340; Fanin et al. 2003. PubMed ID: 14578192; Macias et al. 2021. PubMed ID: 34720847). This variant is interpreted as pathogenic by the ClinGen Limb Girdle Muscular Dystrophy Variant Curation Expert Panel as well as numerous other submitters to ClinVar (Variation ID: 17621). This variant is reported in 0.045% of alleles in individuals of European (non-Finnish) descent in gnomAD. Frameshift variants in CAPN3 are expected to be pathogenic. This variant is interpreted as pathogenic for autosomal recessive CAPN3-related disorders.

3billion
Classification: Pathogenic for Autosomal recessive limb-girdle muscular dystrophy type 2A. Last evaluated: 2025-08-26. Review status: criteria provided, single submitter. Criteria: ACMG Guidelines, 2015. Collection method: clinical testing. Allele origin: germline. Affected: yes. Not counted in ClinVar's aggregate classification.
Comment: The variant is observed at an extremely low frequency in the gnomAD v4.1.0 dataset (total allele frequency: 0.023%). Predicted Consequence/Location: Frameshift: predicted to result in a loss or disruption of normal protein function through nonsense-mediated decay (NMD) or protein truncation. Multiple pathogenic variants are reported downstream of the variant. The variant has been reported multiple times as an established pathogenic variant (ClinVar ID: VCV000017621 /PMID: 7720071 /3billion dataset). Therefore, this variant is classified as Pathogenic according to the recommendation of ACMG/AMP guideline.

Natera, Inc.
Classification: Pathogenic for Limb-girdle muscular dystrophy type 2A. Last evaluated: 2025-08-26. Review status: criteria provided, single submitter. Criteria: Natera Variant Classification Schema (03/2026). Collection method: clinical testing. Allele origin: germline. Not counted in ClinVar's aggregate classification.
Comment: The c.550delA variant in CAPN3 is a frameshift variant predicted to shift the reading frame beginning at codon 184 and leads to a stop codon 36 codons downstream. This variant is expected to result in nonsense mediated decay, truncation, or a dysfunctional protein product. This variant is rare in the general population with a frequency below the threshold expected for the associated phenotype(s). This variant has been observed in one or more individuals affected with the associated recessive disease, as either homozygous or compound heterozygous with a second variant (PMID: 25135358). Given the available evidence, this variant is classified as Pathogenic.

Revvity Omics, Revvity
Classification: Pathogenic. Last evaluated: 2025-08-05. Review status: criteria provided, single submitter. Criteria: ACMG Guidelines, 2015. Collection method: clinical testing. Allele origin: germline. Not counted in ClinVar's aggregate classification.

Clinical Genetics Laboratory, University Hospital Schleswig-Holstein
Classification: Pathogenic for Autosomal recessive limb-girdle muscular dystrophy type 2A. Last evaluated: 2025-02-26. Review status: criteria provided, single submitter. Criteria: ACMG Guidelines, 2015. Collection method: clinical testing. Allele origin: germline. Affected: yes. Observed: 1 heterozygote. Not counted in ClinVar's aggregate classification.
Comment: ACMG criteria applied: PP1, PVS1, PM3, PP4_Strong

Laboratory of Genetics, Children's Clinical University Hospital Latvia
Classification: Pathogenic. Last evaluated: 2025-02-16. Review status: criteria provided, single submitter. Criteria: ACMG Guidelines, 2015. Collection method: clinical testing. Allele origin: germline. Affected: yes. Not counted in ClinVar's aggregate classification.

Blueprint Genetics
Classification: Pathogenic for CAPN3-related disorders. Last evaluated: 2024-11-22. Review status: criteria provided, single submitter. Criteria: ACMG Guidelines, 2015. Collection method: clinical testing. Allele origin: germline. Affected: yes. Observed: 5 variant alleles. Not counted in ClinVar's aggregate classification.

Institute of Human Genetics, University of Leipzig Medical Center
Classification: Pathogenic for Autosomal recessive limb-girdle muscular dystrophy type 2A. Last evaluated: 2024-10-01. Review status: criteria provided, single submitter. Criteria: ACMG Guidelines, 2015. Collection method: clinical testing. Allele origin: unknown. Affected: yes. Not counted in ClinVar's aggregate classification.
Comment: Criteria applied: PVS1,PS4_MOD,PS3_SUP

Fulgent Genetics
Classification: Pathogenic for Autosomal recessive limb-girdle muscular dystrophy type 2A; Muscular dystrophy, limb-girdle, autosomal dominant 4. Last evaluated: 2024-04-06. Review status: criteria provided, single submitter. Criteria: ACMG Guidelines, 2015. Collection method: clinical testing. Allele origin: germline. Not counted in ClinVar's aggregate classification.

Baylor Genetics
Classification: Pathogenic for Muscular dystrophy, limb-girdle, autosomal dominant 4. Last evaluated: 2024-03-26. Review status: criteria provided, single submitter. Criteria: ACMG Guidelines, 2015. Collection method: clinical testing. Allele origin: unknown. Not counted in ClinVar's aggregate classification.

Laboratory of Medical Genetics, National & Kapodistrian University of Athens
Classification: Pathogenic for Autosomal recessive limb-girdle muscular dystrophy type 2A. Last evaluated: 2024-02-01. Review status: criteria provided, single submitter. Criteria: ACMG Guidelines, 2015. Collection method: curation. Allele origin: germline. Affected: no. Not counted in ClinVar's aggregate classification.

Athena Diagnostics
Classification: Pathogenic. Last evaluated: 2023-12-21. Review status: criteria provided, single submitter. Criteria: Athena Diagnostics Criteria. Collection method: clinical testing. Allele origin: unknown. Not counted in ClinVar's aggregate classification.
Comment: This variant is one of the most common variants associated with autosomal recessive limb girdle muscular dystrophy (PMID: 17702496, 27142102, 26484845), therefore the frequency of this variant in the general population is consistent with pathogenicity (Genome Aggregation Database (gnomAD), Cambridge, MA (URL)). This variant segregates with disease in multiple families. In multiple individuals, this variant has been seen with a single recessive pathogenic variant in the same gene, suggesting this variant may also be pathogenic.

Clinical Genetics Laboratory, Skane University Hospital Lund
Classification: Pathogenic. Last evaluated: 2023-08-01. Review status: criteria provided, single submitter. Criteria: ACMG Guidelines, 2015. Collection method: clinical testing. Allele origin: germline. Affected: yes. Not counted in ClinVar's aggregate classification.

Victorian Clinical Genetics Services, Murdoch Childrens Research Institute
Classification: Pathogenic for Autosomal recessive limb-girdle muscular dystrophy type 2A. Last evaluated: 2023-07-17. Review status: criteria provided, single submitter. Criteria: ACMG Guidelines, 2015. Collection method: clinical testing. Allele origin: germline. Inheritance: Autosomal recessive inheritance. Affected: yes. Not counted in ClinVar's aggregate classification.
Comment: Based on the classification scheme VCGS_Germline_v1.3.4, this variant is classified as Pathogenic. Following criteria are met: 0102 - Loss of function is a known mechanism of disease in this gene and is associated with recessive limb-girdle muscular dystrophy 1 (MIM#253600). Dominant negative mechanism is a suggested mechanism for dominant limb-girdle muscular dystrophy 4 (MIM#618129) associated with milder phenotypes and later age of onset (ClinVar, PMID: 27259757). (I) 0108 - This gene is associated with both recessive and dominant disease. It is predominantly reported as a recessive condition, with the dominant condition reported with only a few missense variants and one in-frame deletion (PMID: 27259757, 28881388, 31066050). (I) 0201 - Variant is predicted to cause nonsense-mediated decay (NMD) and loss of protein (premature termination codon is located at least 54 nucleotides upstream of the final exon-exon junction). (SP) 0251 - This variant is heterozygous. (I) 0304 - Variant is present in gnomAD (v2) <0.01 (65 heterozygotes, 0 homozygotes). (SP) 0701 - Other NMD-predicted variants comparable to the one identified in this case have very strong previous evidence for pathogenicity. These variants have been reported many times as pathogenic (DECIPHER). (SP) 0801 - This variant has strong previous evidence of pathogenicity in unrelated individuals. This variant has been reported many times as pathogenic, and have been observed in multiple homozygous and compound heterozygous individuals with limb girdle muscular dystrophy (ClinVar). (SP) 1208 - Inheritance information for this variant is not currently available in this individual. (I) Legend: (SP) - Supporting pathogenic, (I) - Information, (SB) - Supporting benign

Institute of Human Genetics Munich, TUM University Hospital
Classification: Pathogenic for Autosomal recessive limb-girdle muscular dystrophy type 2A. Last evaluated: 2023-07-06. Review status: criteria provided, single submitter. Criteria: Classification criteria August 2017. Collection method: clinical testing. Allele origin: inherited. Inheritance: Autosomal recessive inheritance. Affected: yes. Observed: 1 variant allele. Not counted in ClinVar's aggregate classification.

Mayo Clinic Laboratories, Mayo Clinic
Classification: Pathogenic. Last evaluated: 2023-05-15. Review status: criteria provided, single submitter. Criteria: ACMG Guidelines, 2015. Collection method: clinical testing. Allele origin: germline. Observed: 2 variant alleles. Not counted in ClinVar's aggregate classification.
Comment: PM2, PM3, PS4_moderate, PVS1